The following is an entry in ClinVar:

ClinVar aggregate classification (germline): Uncertain significance. Review status: criteria provided, multiple submitters, no conflicts (2 of 4 stars). 2 submissions from 2 submitters: Uncertain significance (2). Last evaluated 2025-07-09.

gnomAD v4.1: 11 of 1,605,522 alleles (0.00069%); highest among the groups gnomAD compares: East Asian, 0.0067%; no homozygotes.

Submissions (2):

Labcorp Genetics (formerly Invitae), Labcorp
Classification: Uncertain significance. Last evaluated: 2025-07-09. Review status: criteria provided, single submitter. Criteria: Invitae Variant Classification Sherloc (09022015). Collection method: clinical testing. Allele origin: germline.
Comment: This sequence change replaces alanine, which is neutral and non-polar, with threonine, which is neutral and polar, at codon 1461 of the ANK3 protein (p.Ala1461Thr). The frequency data for this variant in the population databases is considered unreliable, as metrics indicate poor data quality at this position in the gnomAD database. This variant has not been reported in the literature in individuals affected with ANK3-related conditions. Invitae Evidence Modeling of protein sequence and biophysical properties (such as structural, functional, and spatial information, amino acid conservation, physicochemical variation, residue mobility, and thermodynamic stability) indicates that this missense variant is not expected to disrupt ANK3 protein function with a negative predictive value of 80%. In summary, the available evidence is currently insufficient to determine the role of this variant in disease. Therefore, it has been classified as a Variant of Uncertain Significance.

GeneDx
Classification: Uncertain significance. Last evaluated: 2025-04-07. Review status: criteria provided, single submitter. Criteria: GeneDx Variant Classification Process June 2021. Collection method: clinical testing. Allele origin: germline. Affected: yes.
Comment: In silico analysis indicates that this missense variant does not alter protein structure/function; Has not been previously published as pathogenic or benign to our knowledge

NM_020987.5(ANK3):c.4381G>A (p.Ala1461Thr)

Gene: ANK3 (ankyrin 3; minus strand). Cytogenetic location: 10q21.2.
Variant type: single nucleotide variant.
Coding change: c.4381G>A on transcript NM_020987.5 (MANE Select); coding-DNA position 4381, G replaced by A.
Protein change: p.Ala1461Thr; replaces alanine 1461 with threonine.
Molecular consequence: missense variant.
Genome position (GRCh38, 1-based): chr10:60,080,588, C>T on the plus strand (G>A on the coding strand, the complement: ANK3 is on the minus strand). VCF-style: chr10-60080588-C-T. GRCh37 (hg19) VCF-style: chr10-61840346-C-T.
Other names: c.1756G>A, p.Ala586Thr (NM_001149.4); c.4336G>A, p.Ala1446Thr (NM_001204403.2); c.4357G>A, p.Ala1453Thr (NM_001204404.2); c.4354G>A, p.Ala1452Thr (NM_001320874.2); short protein forms A1446T, A1452T, A1453T, A1461T, A586T.
Identifiers: ClinVar variation 4281715 (VCV004281715.2).
Genomic context (GRCh38, chr10:60,080,588, plus strand): 5'-GAAACTCACTCATTCCAGGCTCAGTCAAGTAGCTGTAGCGCTTACGTAAAGCTAAGGATG[C>T]GAAGCTCTGTCGTCTATCTGTTTTCTCAATCTGAAAAGGAAAAAAAAAAAGACAACTCTA-3'
Protein context (NP_066267.2, residues 1451-1471): IEKTDRRQSF[Ala1461Thr]SLALRKRYSY